The following is an entry in ClinVar:

NM_001303256.3(MORC2):c.357C>T (p.Thr119=)

Gene: MORC2 (MORC family CW-type zinc finger 2; minus strand). Cytogenetic location: 22q12.2.
Variant type: single nucleotide variant.
Coding change: c.357C>T on transcript NM_001303256.3 (MANE Select); coding-DNA position 357, C replaced by T.
Protein change: p.Thr119=; no amino-acid change (threonine 119 retained).
Molecular consequence: synonymous variant.
Genome position (GRCh38, 1-based): chr22:30,946,410, G>A on the plus strand (C>T on the coding strand, the complement: MORC2 is on the minus strand). VCF-style: chr22-30946410-G-A. GRCh37 (hg19) VCF-style: chr22-31342397-G-A.
Other names: c.357C>T, p.Thr119= (NM_001303257.2); c.171C>T, p.Thr57= (NM_014941.3); c.357C>T (NM_001303256.2).
Identifiers: ClinVar variation 3687682 (VCV003687682.3).

ClinVar aggregate classification (germline): Likely benign. Review status: criteria provided, multiple submitters, no conflicts (2 of 4 stars). 2 submissions from 2 submitters: Likely benign (2). Last evaluated 2025-05-08.

Conditions:
Charcot-Marie-Tooth disease axonal type 2Z. Also called: CHARCOT-MARIE-TOOTH DISEASE, AXONAL, AUTOSOMAL DOMINANT, TYPE 2Z; CHARCOT-MARIE-TOOTH NEUROPATHY, TYPE 2Z. Identifiers: Orphanet 466768, MedGen C5569025, MONDO:0014736, OMIM 616688.
MORC2-related disorder. Also called: MORC2-related condition.

gnomAD v4.1: 6 of 1,610,780 alleles (0.00037%); highest among the groups gnomAD compares: Non-Finnish European, 0.00051%; no homozygotes.

Submissions (2):

PreventionGenetics, part of Exact Sciences
Classification: Likely benign for MORC2-related condition. Last evaluated: 2025-05-08. Review status: criteria provided, single submitter. Criteria: ACMG Guidelines, 2015. Collection method: clinical testing. Allele origin: germline.
Comment: This variant is classified as likely benign based on ACMG/AMP sequence variant interpretation guidelines (Richards et al. 2015 PMID: 25741868, with internal and published modifications).

Labcorp Genetics (formerly Invitae), Labcorp
Classification: Likely benign for Charcot-Marie-Tooth disease axonal type 2Z. Last evaluated: 2024-02-02. Review status: criteria provided, single submitter. Criteria: Invitae Variant Classification Sherloc (09022015). Collection method: clinical testing. Allele origin: germline.